The following is an entry in ClinVar:

ClinVar aggregate classification (germline): Pathogenic (1 of 4 stars; one submission).

Conditions:
Hereditary nonpolyposis colorectal neoplasms. Identifiers: MedGen C0009405, MeSH D003123.

Submission:

Labcorp Genetics (formerly Invitae), Labcorp
Classification: Pathogenic for Hereditary nonpolyposis colorectal neoplasms. Last evaluated: 2021-04-23. Review status: criteria provided, single submitter. Criteria: Invitae Variant Classification Sherloc (09022015). Collection method: clinical testing. Allele origin: germline.
Comment: For these reasons, this variant has been classified as Pathogenic. This variant has not been reported in the literature in individuals with MSH6-related conditions. This variant is not present in population databases (ExAC no frequency). This sequence change creates a premature translational stop signal (p.Ser1297Glyfs*5) in the MSH6 gene. It is expected to result in an absent or disrupted protein product. Loss-of-function variants in MSH6 are known to be pathogenic (PMID: 18269114, 24362816).

Literature cited by the submitters: PubMed 18269114; PubMed 24362816.

NM_000179.3(MSH6):c.3873_3888dup (p.Ser1297delinsGlySerLeuSerTer)

Gene: MSH6 (mutS homolog 6; plus strand). Cytogenetic location: 2p16.3.
Variant type: Duplication.
Coding change: c.3873_3888dup on transcript NM_000179.3 (MANE Select); coding-DNA positions 3873 to 3888, 16 bases duplicated (GGGAGCTTGTCCTAAA).
Protein change: p.Ser1297delinsGlySerLeuSerTer.
Molecular consequence: nonsense.
Genome position (GRCh38, 1-based): chr2:47,806,523-47,806,538, GGGAGCTTGTCCTAAA duplicated; duplicating any 16 consecutive bases within chr2:47,806,521-47,806,538 gives the same sequence; the c. name uses the placement nearest the transcript's 3' end. VCF-style (leftmost placement, unchanged base first): chr2-47806520-T-TAAGGGAGCTTGTCCTA. GRCh37 (hg19) VCF-style: chr2-48033659-T-TAAGGGAGCTTGTCCTA.
Other names: c.3483_3498dup, p.Ser1167delinsGlySerLeuSerTer (NM_001281492.2); c.2967_2982dup, p.Ser995delinsGlySerLeuSerTer (NM_001281493.2, NM_001281494.2).
Identifiers: ClinVar variation 1408324 (VCV001408324.6), dbSNP rs2104557357, ClinGen allele CA2573134791.